The following is an entry in ClinVar:

ClinVar aggregate classification (germline): Uncertain significance. Review status: criteria provided, multiple submitters, no conflicts (2 of 4 stars). 3 submissions from 3 submitters: Uncertain significance (3). Last evaluated 2023-02-10.

Conditions:
Inborn genetic diseases. Identifiers: MedGen C0950123, MeSH D030342.
Pancytopenia-developmental delay syndrome. Also called: Bone marrow failure syndrome 2. Identifiers: Orphanet 401764, MedGen C3810350, MONDO:0014317, OMIM 615715.

Allele frequency attached by ClinVar (database versions not stated): gnomAD exomes 0.00001 and 0.00003; ExAC 0.00002; TOPMed 0.00005; gnomAD 0.00007.
gnomAD v4.1: 29 of 1,612,736 alleles (0.0018%); highest among the groups gnomAD compares: African/African-American, 0.019%; no homozygotes.

Submissions (3):

Ambry Genetics
Classification: Uncertain significance for Inborn genetic diseases. Last evaluated: 2023-02-10. Review status: criteria provided, single submitter. Criteria: Ambry Variant Classification Scheme 2023. Collection method: clinical testing. Allele origin: germline.

Labcorp Genetics (formerly Invitae), Labcorp
Classification: Uncertain significance. Last evaluated: 2022-02-03. Review status: criteria provided, single submitter. Criteria: Invitae Variant Classification Sherloc (09022015). Collection method: clinical testing. Allele origin: germline.
Comment: This sequence change replaces asparagine, which is neutral and polar, with serine, which is neutral and polar, at codon 602 of the ERCC6L2 protein (p.Asn602Ser). This variant is present in population databases (rs781374501, gnomAD 0.02%). This variant has not been reported in the literature in individuals affected with ERCC6L2-related conditions. ClinVar contains an entry for this variant (Variation ID: 1034368). Algorithms developed to predict the effect of missense changes on protein structure and function are either unavailable or do not agree on the potential impact of this missense change (SIFT: "Deleterious"; PolyPhen-2: "Not Available"; Align-GVGD: "Class C0"). In summary, the available evidence is currently insufficient to determine the role of this variant in disease. Therefore, it has been classified as a Variant of Uncertain Significance.

Baylor Genetics
Classification: Uncertain significance for Pancytopenia-developmental delay syndrome. Last evaluated: 2018-08-21. Review status: criteria provided, single submitter. Criteria: ACMG Guidelines, 2015. Collection method: clinical testing. Allele origin: unknown. Affected: yes.
Comment: This variant was determined to be of uncertain significance according to ACMG Guidelines, 2015 [PMID:25741868].

NM_020207.7(ERCC6L2):c.1772A>G (p.Asn591Ser)

Gene: ERCC6L2 (ERCC excision repair 6 like 2; plus strand). Cytogenetic location: 9q22.32.
Variant type: single nucleotide variant.
Coding change: c.1772A>G on transcript NM_020207.7 (MANE Select); coding-DNA position 1772, A replaced by G.
Protein change: p.Asn591Ser; replaces asparagine 591 with serine.
Molecular consequence: missense variant. On other transcripts: non-coding transcript variant (1).
Genome position (GRCh38, 1-based): chr9:95,941,474, A>G. VCF-style: chr9-95941474-A-G. GRCh37 (hg19) VCF-style: chr9-98703756-A-G.
Other names: c.1772A>G, p.Asn591Ser (NM_001010895.4, NM_001375291.1, NM_001375292.1 and 2 more transcripts); short protein forms N591S.
Identifiers: ClinVar variation 1034368 (VCV001034368.7), dbSNP rs781374501, ClinGen allele CA5139684.